The following is an entry in ClinVar:

NM_001100.4(ACTA1):c.868G>C (p.Asp290His)

Gene: ACTA1 (actin alpha 1, skeletal muscle; minus strand). Cytogenetic location: 1q42.13.
Variant type: single nucleotide variant.
Coding change: c.868G>C on transcript NM_001100.4 (MANE Select); coding-DNA position 868, G replaced by C.
Protein change: p.Asp290His; replaces aspartic acid 290 with histidine.
Molecular consequence: missense variant.
Genome position (GRCh38, 1-based): chr1:229,431,843, C>G on the plus strand (G>C on the coding strand, the complement: ACTA1 is on the minus strand). VCF-style: chr1-229431843-C-G. GRCh37 (hg19) VCF-style: chr1-229567590-C-G.
Other names: NM_001100.4(ACTA1):c.868G>C; p.Asp290His; short protein forms D290H.
Identifiers: ClinVar variation 521371 (VCV000521371.6), dbSNP rs1553255354, ClinGen allele CA345145962.

ClinVar aggregate classification (germline): Pathogenic. Review status: reviewed by expert panel (3 of 4 stars). 3 submissions from 3 submitters: Pathogenic (1). 2 of the submissions do not count toward it. Last evaluated 2024-08-27.

Conditions:
Alpha-actinopathy. Also called: Actinopathy. Identifiers: MedGen CN295279, MONDO:0100084.
Inborn genetic diseases. Identifiers: MedGen C0950123, MeSH D030342.
Actin accumulation myopathy (CMYO2A). Also called: CONGENITAL MYOPATHY 2A, TYPICAL, AUTOSOMAL DOMINANT; Nemaline myopathy type 3; Myopathy, actin, congenital, with excess of thin myofilaments; Myopathy, actin, congenital, with cores; Nemaline myopathy 3, with intranuclear rods. Identifiers: Orphanet 98904, MedGen C3711389, MONDO:0008070, OMIM 161800.

Submissions (3):

ClinGen Congenital Myopathies Variant Curation Expert Panel, ClinGen
Classification: Pathogenic for Alpha-actinopathy. Last evaluated: 2024-08-27. Review status: reviewed by expert panel. Criteria: ClinGen CongenMyopathy ACMG Specifications ACTA1_AD_ V2.0.0. Collection method: curation. Allele origin: germline. Inheritance: Autosomal dominant inheritance.
Comment: The c.868G>C variant in ACTA1 is a missense variant predicted to cause substitution of aspartic acid by histidine at amino acid 290 (legacy nomenclature: p.Asp288His). This variant is absent from gnomAD v4.1.0 (PM2_Supporting). The computational predictor REVEL gives a score of 0.985, which is above the threshold of 0.7, evidence that correlates with impact to ACTA1 function (PP3). ACTA1, in which the variant was identified, is defined by the ClinGen Congenital Myopathies VCEP as a gene that has a low rate of benign missense variation and where pathogenic missense variants are a common mechanism of disease (PP2). This variant has been reported in 2 probands , including one with a muscle biopsy containing nemaline rods (PS4_Supporting, PP4_Moderate; PMIDs: 29565416, 28516742). In both individuals, the variant has been identified as a de novo occurrence with confirmed parental relationships (PS2). Another missense variant c.868G>A, p.Asp290Asn (PMIDs: 19562689, 27242277) in the same codon has been classified as pathogenic for AD nemaline myopathy by the ClinGen Congenital Myopathies VCEP (PM5). In summary, this variant meets the criteria to be classified as pathogenic for autosomal dominant alpha-actinopathy based on the ACMG/AMP criteria applied, as specified by the ClinGen Congenital Myopathies VCEP: PS2, PM5, PP4_Moderate, PS4_Supporting, PM2_Supporting, PP2, PP3 (Congenital Myopathies VCEP specifications version 1; 08/27/2024).

Institute of Human Genetics, University of Leipzig Medical Center
Classification: Pathogenic for Actin accumulation myopathy. Last evaluated: 2018-07-04. Review status: criteria provided, single submitter. Criteria: ACMG Guidelines, 2015. Collection method: clinical testing. Allele origin: germline. Affected: yes. Observed: 1 variant allele. Not counted in ClinVar's aggregate classification.

Ambry Genetics
Classification: Pathogenic for Inborn genetic diseases. Last evaluated: 2016-09-08. Review status: criteria provided, single submitter. Criteria: Ambry exome assertion method (8-5-2015). Collection method: clinical testing. Allele origin: germline. Affected: yes. Observed: 1 variant allele. Not counted in ClinVar's aggregate classification.